The following is an entry in ClinVar:

ClinVar aggregate classification (germline): Likely benign (0 of 4 stars; one submission).

Conditions:
NIPBL-related disorder. Also called: NIPBL-related condition.

gnomAD v4.1: 1 of 1,607,136 alleles (0.000062%); no homozygotes.

Submission:

PreventionGenetics, part of Exact Sciences
Classification: Likely benign for NIPBL-related condition. Last evaluated: 2024-06-07. Review status: no assertion criteria provided. Collection method: clinical testing. Allele origin: germline.
Comment: This variant is classified as likely benign based on ACMG/AMP sequence variant interpretation guidelines (Richards et al. 2015 PMID: 25741868, with internal and published modifications).

NM_133433.4(NIPBL):c.5604A>G (p.Val1868=)

Gene: NIPBL (NIPBL cohesin loading factor; plus strand). Cytogenetic location: 5p13.2.
Variant type: single nucleotide variant.
Coding change: c.5604A>G on transcript NM_133433.4 (MANE Select); coding-DNA position 5604, A replaced by G.
Protein change: p.Val1868=; no amino-acid change (valine 1868 retained).
Molecular consequence: synonymous variant.
Genome position (GRCh38, 1-based): chr5:37,024,614, A>G. VCF-style: chr5-37024614-A-G. GRCh37 (hg19) VCF-style: chr5-37024716-A-G.
Other names: c.5604A>G, p.Val1868= (NM_015384.5).
Identifiers: ClinVar variation 3345005 (VCV003345005.1).